The following is an entry in ClinVar:

NM_000017.4(ACADS):c.322G>A (p.Gly108Ser)

Gene: ACADS (acyl-CoA dehydrogenase short chain; plus strand). Cytogenetic location: 12q24.31.
Variant type: single nucleotide variant.
Coding change: c.322G>A on transcript NM_000017.4 (MANE Select); coding-DNA position 322, G replaced by A.
Protein change: p.Gly108Ser; replaces glycine 108 with serine.
Molecular consequence: missense variant.
Genome position (GRCh38, 1-based): chr12:120,737,097, G>A. VCF-style: chr12-120737097-G-A. GRCh37 (hg19) VCF-style: chr12-121174900-G-A.
Other names: c.322G>A, p.Gly108Ser (NM_001302554.2); short protein forms G108S.
Identifiers: ClinVar variation 377421 (VCV000377421.9), dbSNP rs117356004, ClinGen allele CA6830825.

ClinVar aggregate classification (germline): Conflicting classifications of pathogenicity. Review status: criteria provided, conflicting classifications (1 of 4 stars). 3 submissions from 3 submitters: Likely pathogenic (2); Uncertain significance (1). Last evaluated 2025-01-07.

Conditions:
Deficiency of butyryl-CoA dehydrogenase (ACADSD). Also called: SCAD DEFICIENCY, MILD; SCAD Deficiency; Short-Chain Acyl-CoA Dehydrogenase Deficiency; ACADS DEFICIENCY; ACYL-CoA DEHYDROGENASE, SHORT-CHAIN, DEFICIENCY OF; SCADH DEFICIENCY. Identifiers: Orphanet 26792, MedGen C0342783, MONDO:0008722, OMIM 201470. Disease mechanism: May be benign.

Allele frequency attached by ClinVar (database versions not stated): gnomAD 0.00001; ExAC 0.00002; gnomAD exomes 0.00002; TOPMed 0.00002; 1000 Genomes Project 30x 0.00016; 1000 Genomes Project 0.00020.
gnomAD v4.1: 33 of 1,593,994 alleles (0.0021%); highest among the groups gnomAD compares: East Asian, 0.023%; no homozygotes.

Submissions (3):

Labcorp Genetics (formerly Invitae), Labcorp
Classification: Uncertain significance for Deficiency of butyryl-CoA dehydrogenase. Last evaluated: 2025-01-07. Review status: criteria provided, single submitter. Criteria: Invitae Variant Classification Sherloc (09022015). Collection method: clinical testing. Allele origin: germline.
Comment: This sequence change replaces glycine, which is neutral and non-polar, with serine, which is neutral and polar, at codon 108 of the ACADS protein (p.Gly108Ser). The frequency data for this variant in the population databases is considered unreliable, as metrics indicate poor data quality at this position in the gnomAD database. This missense change has been observed in individuals with SCAD deficiency (PMID: 23155713, 27051597, 31813752). ClinVar contains an entry for this variant (Variation ID: 377421). Invitae Evidence Modeling of protein sequence and biophysical properties (such as structural, functional, and spatial information, amino acid conservation, physicochemical variation, residue mobility, and thermodynamic stability) indicates that this missense variant is expected to disrupt ACADS protein function with a positive predictive value of 95%. This variant disrupts the p.Gly108 amino acid residue in ACADS. Other variant(s) that disrupt this residue have been observed in individuals with ACADS-related conditions (PMID: 20376488, 27466294), which suggests that this may be a clinically significant amino acid residue. In summary, the available evidence is currently insufficient to determine the role of this variant in disease. Therefore, it has been classified as a Variant of Uncertain Significance.

GeneDx
Classification: Likely pathogenic. Last evaluated: 2016-09-29. Review status: criteria provided, single submitter. Criteria: GeneDx Variant Classification (06012015). Collection method: clinical testing. Allele origin: germline. Affected: yes.
Comment: A G108S variant that is likely pathogenic was identified in the ACADS gene. It has been reported previously in two individuals who were compound heterozygous with another variant in the ACADS gene (Jiang et al., 2012; Rodolfo Tonin et al., 2016). The G108S variant is a non-conservative amino acid substitution, which is likely to impact secondary protein structure as these residues differ in polarity, charge, size and/or other properties. This substitution occurs at a position that is conserved across species and in silico analysis predicts this variant is probably damaging to the protein structure/function. A missense variant in a nearby residue (R107C) has been reported in the Human Gene Mutation Database in association with short chain acyl-CoA dehydrogenase deficiency (Stenson et al., 2014), supporting the functional importance of this region of the protein. Therefore, this variant is likely pathogenic; however, the possibility that it is benign cannot be excluded.

Juno Genomics, Hangzhou Juno Genomics, Inc
Classification: Likely pathogenic for Deficiency of butyryl-CoA dehydrogenase. Review status: criteria provided, single submitter. Criteria: ACMG Guidelines, 2015. Collection method: clinical testing. Allele origin: germline.
Comment: Absent from controls (or at extremely low frequency if recessive) in Genome Aggregation Database.;Multiple lines of computational evidence support a deleterious effect on the gene or gene product.;For recessive disorders, detected in trans with a pathogenic variant.;Patient's phenotype or family history is highly specific for a disease with a single genetic etiology.

Literature cited by the submitters: PubMed 23155713 (cited by Labcorp Genetics (formerly Invitae), Labcorp); PubMed 27051597 (cited by Labcorp Genetics (formerly Invitae), Labcorp); PubMed 31813752 (cited by Labcorp Genetics (formerly Invitae), Labcorp); PubMed 20376488 (cited by Labcorp Genetics (formerly Invitae), Labcorp); PubMed 27466294 (cited by Labcorp Genetics (formerly Invitae), Labcorp).